The following is an entry in ClinVar:

NM_002860.4(ALDH18A1):c.994C>T (p.His332Tyr)

Gene: ALDH18A1 (aldehyde dehydrogenase 18 family member A1; minus strand). Cytogenetic location: 10q24.1.
Variant type: single nucleotide variant.
Coding change: c.994C>T on transcript NM_002860.4 (MANE Select); coding-DNA position 994, C replaced by T.
Protein change: p.His332Tyr; replaces histidine 332 with tyrosine.
Molecular consequence: missense variant.
Genome position (GRCh38, 1-based): chr10:95,627,526, G>A on the plus strand (C>T on the coding strand, the complement: ALDH18A1 is on the minus strand). VCF-style: chr10-95627526-G-A. GRCh37 (hg19) VCF-style: chr10-97387283-G-A.
Other names: c.988C>T, p.His330Tyr (NM_001017423.2, NM_001323415.2); c.661C>T, p.His221Tyr (NM_001323412.2, NM_001323416.2); c.994C>T, p.His332Tyr (NM_001323413.2, NM_001323414.2); c.889C>T, p.His297Tyr (NM_001323417.2); c.655C>T, p.His219Tyr (NM_001323418.2); c.358C>T, p.His120Tyr (NM_001323419.2); short protein forms H120Y, H219Y, H221Y, H297Y, H330Y, H332Y.
Identifiers: ClinVar variation 3761439 (VCV003761439.2).

ClinVar aggregate classification (germline): Uncertain significance (1 of 4 stars; one submission).

Conditions:
Cutis laxa, autosomal dominant 3 (ADCL3). Identifiers: Orphanet 90348, MedGen C4225268, MONDO:0014706, OMIM 616603.
Autosomal dominant spastic paraplegia type 9. Identifiers: MedGen C1832669, MONDO:0015091.
de Barsy syndrome. Also called: Cutis laxa-corneal clouding-oligophrenia syndrome. Identifiers: Orphanet 2962, MedGen C0268354, MONDO:0017569.

gnomAD v4.1: 18 of 1,614,036 alleles (0.0011%); highest among the groups gnomAD compares: South Asian, 0.018%; 1 homozygote.

Submission:

Labcorp Genetics (formerly Invitae), Labcorp
Classification: Uncertain significance for Autosomal dominant spastic paraplegia type 9; de Barsy syndrome; Cutis laxa, autosomal dominant 3. Last evaluated: 2024-11-27. Review status: criteria provided, single submitter. Criteria: Invitae Variant Classification Sherloc (09022015). Collection method: clinical testing. Allele origin: germline.
Comment: This sequence change replaces histidine, which is basic and polar, with tyrosine, which is neutral and polar, at codon 332 of the ALDH18A1 protein (p.His332Tyr). This variant is present in population databases (rs754112599, gnomAD 0.02%). This variant has not been reported in the literature in individuals affected with ALDH18A1-related conditions. Invitae Evidence Modeling of protein sequence and biophysical properties (such as structural, functional, and spatial information, amino acid conservation, physicochemical variation, residue mobility, and thermodynamic stability) indicates that this missense variant is not expected to disrupt ALDH18A1 protein function with a negative predictive value of 95%. In summary, the available evidence is currently insufficient to determine the role of this variant in disease. Therefore, it has been classified as a Variant of Uncertain Significance.